The following is an entry in ClinVar:

ClinVar aggregate classification (germline): Uncertain significance (1 of 4 stars; one submission).

Conditions:
X-linked Alport syndrome (ATS1). Also called: COL4A5-Related Nephropathy; NEPHROPATHY AND DEAFNESS, X-LINKED. Identifiers: Orphanet 63, Orphanet 88917, MedGen C4746986, MONDO:0010520, OMIM 301050.

Submission:

Department of Nephrology, Rheumatology and Immunology, Shanghai Children's Hospital
Classification: Uncertain significance for X-linked Alport syndrome. Last evaluated: 2021-07-16. Review status: criteria provided, single submitter. Criteria: ACMG Guidelines, 2015. Collection method: clinical testing. Allele origin: de novo. Affected: yes. Observed: 1 variant allele.
Comment: The NM_000495.5(COL4A5):c.2800_2805delCCTGGC (p.Pro934_Gly935del) is an in-frame deletion of two amino acids in the collagenous domain of COL4A5. This variant is absent in the gnomAD v3.1.2 (GRCh38) population database (PM2). While the variant is reported as a de novo occurrence, formal parental identity testing (e.g., via STR or SNP analysis) was not performed to satisfy the stringent requirements for PS2 or PM6 criteria (internal data). In-frame deletions in the collagenous domain are known to disrupt the triple helix assembly (PM4). In summary, this variant meets criteria to be classified as Uncertain Significance for Alport syndrome based on the ACMG/AMP 2015 criteria applied: PM2, PM4, PP4.

NM_033380.3(COL4A5):c.2803_2808del (p.Gly935_Pro936del)

Gene: COL4A5 (collagen type IV alpha 5 chain; plus strand). Cytogenetic location: Xq22.3.
Variant type: Deletion.
Coding change: c.2803_2808del on transcript NM_033380.3 (MANE Select); coding-DNA positions 2803 to 2808, 6 bases deleted (GGCCCT; older notation c.2803_2808delGGCCCT).
Protein change: p.Gly935_Pro936del.
Molecular consequence: inframe deletion.
Genome position (GRCh38, 1-based): chrX:108,622,711-108,622,716, GGCCCT deleted; deleting any 6 consecutive bases within chrX:108,622,708-108,622,716 gives the same sequence; the c. name uses the placement nearest the transcript's 3' end. VCF-style (leftmost placement, unchanged base first): chrX-108622707-TCCTGGC-T. GRCh37 (hg19) VCF-style: chrX-107865937-TCCTGGC-T.
Other names: c.2803_2808del, p.Gly935_Pro936del (NM_000495.5); c.2800_2805delCCTGGC (NM_000495.5).
Identifiers: ClinVar variation 4796719 (VCV004796719.1).